The following is an entry in ClinVar:

NM_006267.5(RANBP2):c.1514C>G (p.Ser505Cys)

Gene: RANBP2 (RAN binding protein 2; plus strand). Cytogenetic location: 2q13.
Variant type: single nucleotide variant.
Coding change: c.1514C>G on transcript NM_006267.5 (MANE Select); coding-DNA position 1514, C replaced by G.
Protein change: p.Ser505Cys; replaces serine 505 with cysteine.
Molecular consequence: missense variant.
Genome position (GRCh38, 1-based): chr2:108,751,586, C>G. VCF-style: chr2-108751586-C-G. GRCh37 (hg19) VCF-style: chr2-109368042-C-G.
Other names: c.1514C>G, p.Ser505Cys (NM_001415871.1, NM_001415873.1); c.1511C>G, p.Ser504Cys (NM_001415872.1); short protein forms S504C, S505C.
Identifiers: ClinVar variation 2651247 (VCV002651247.24), dbSNP rs1388764808, ClinGen allele CA348049454.
Genomic context (GRCh38, chr2:108,751,586, plus strand): 5'-AGGTATTTCTCCTTGGAGTAGTATATACCAGCCACTTACAATTAAAGGAGAAATGTAATT[C>G]TCACCACAGCTCCTATCAGCCGTTATGCCTGCCCCTTCCTGTGTGTAAACAGCTTTGTAC-3'
Protein context (NP_006258.3, residues 495-515): SHLQLKEKCN[Ser505Cys]HHSSYQPLCL

ClinVar aggregate classification (germline): Uncertain significance (1 of 4 stars; one submission).

Allele frequency attached by ClinVar (database versions not stated): TOPMed below 0.00001.

Submission:

CeGaT Center for Human Genetics Tuebingen
Classification: Uncertain significance. Last evaluated: 2022-06-01. Review status: criteria provided, single submitter. Criteria: CeGaT Center For Human Genetics Tuebingen Variant Classification Criteria Version 2. Collection method: clinical testing. Allele origin: germline. Affected: yes. Observed: 1 variant allele.
Comment: RANBP2: PM2, BP4